The following is an entry in ClinVar:

ClinVar aggregate classification (germline): Uncertain significance (1 of 4 stars; one submission).

Submission:

Labcorp Genetics (formerly Invitae), Labcorp
Classification: Uncertain significance. Last evaluated: 2022-10-20. Review status: criteria provided, single submitter. Criteria: Invitae Variant Classification Sherloc (09022015). Collection method: clinical testing. Allele origin: germline.
Comment: In summary, the available evidence is currently insufficient to determine the role of this variant in disease. Therefore, it has been classified as a Variant of Uncertain Significance. Advanced modeling of protein sequence and biophysical properties (such as structural, functional, and spatial information, amino acid conservation, physicochemical variation, residue mobility, and thermodynamic stability) performed at Invitae indicates that this missense variant is expected to disrupt POLE protein function. This variant has not been reported in the literature in individuals affected with POLE-related conditions. This variant is not present in population databases (gnomAD no frequency). This sequence change replaces aspartic acid, which is acidic and polar, with alanine, which is neutral and non-polar, at codon 440 of the POLE protein (p.Asp440Ala).

NM_006231.4(POLE):c.1319A>C (p.Asp440Ala)

Gene: POLE (DNA polymerase epsilon, catalytic subunit; minus strand). Cytogenetic location: 12q24.33.
Variant type: single nucleotide variant.
Coding change: c.1319A>C on transcript NM_006231.4 (MANE Select); coding-DNA position 1319, A replaced by C.
Protein change: p.Asp440Ala; replaces aspartic acid 440 with alanine.
Molecular consequence: missense variant.
Genome position (GRCh38, 1-based): chr12:132,673,615, T>G on the plus strand (A>C on the coding strand, the complement: POLE is on the minus strand). VCF-style: chr12-132673615-T-G. GRCh37 (hg19) VCF-style: chr12-133250201-T-G.
Other names: short protein forms D440A.
Identifiers: ClinVar variation 2129975 (VCV002129975.4), dbSNP rs2135999555, ClinGen allele CA387359301.